The following is an entry in ClinVar:

ClinVar aggregate classification (germline): Uncertain significance (1 of 4 stars; one submission).

Conditions:
Inborn genetic diseases. Identifiers: MedGen C0950123, MeSH D030342.

Submission:

Ambry Genetics
Classification: Uncertain significance for Inborn genetic diseases. Last evaluated: 2025-04-28. Review status: criteria provided, single submitter. Criteria: Ambry Variant Classification Scheme 2023. Collection method: clinical testing. Allele origin: germline.
Comment: The c.88_90dupATA (p.I30dup) alteration, located in coding exon 2 of the TBL1XR1 gene, results from an in-frame duplication of 3 nucleotides from position 88 to 90. This results in the duplication of a isoleucine residue at codon 30. This variant was not reported in population-based cohorts in the Genome Aggregation Database (gnomAD). This amino acid position is highly conserved in available vertebrate species. This alteration is predicted to be deleterious by in silico analysis (Choi, 2012). Based on insufficient or conflicting evidence, the clinical significance of this alteration remains unclear.

NM_024665.7(TBL1XR1):c.88_90dup (p.Ile30_Glu31insIle)

Gene: TBL1XR1 (TBL1X/Y related 1; minus strand). Cytogenetic location: 3q26.32.
Variant type: Duplication.
Coding change: c.88_90dup on transcript NM_024665.7 (MANE Select); coding-DNA positions 88 to 90, 3 bases duplicated (ATA; older notation c.88_90dupATA).
Protein change: p.Ile30_Glu31insIle.
Molecular consequence: 5 prime UTR variant (on NM_001321195.3).
Genome position (GRCh38, 1-based): chr3:177,053,887-177,053,889, TAT duplicated on the plus strand (ATA on the coding strand, the reverse complement: TBL1XR1 is on the minus strand). VCF-style (leftmost placement, unchanged base first): chr3-177053886-C-CTAT. GRCh37 (hg19) VCF-style: chr3-176771674-C-CTAT.
Other names: c.88_90dup, p.Ile30_Glu31insIle (NM_001321193.3, NM_001321194.3, NM_001374327.1 and 2 more transcripts); c.-174_-172dup (NM_001321195.3, NM_001374330.1).
Identifiers: ClinVar variation 3966153 (VCV003966153.1).